The following is an entry in ClinVar:

ClinVar aggregate classification (germline): Benign/Likely benign. Review status: criteria provided, multiple submitters, no conflicts (2 of 4 stars). 10 submissions from 9 submitters: Benign (4); Likely benign (4). 2 of the submissions do not count toward it. Last evaluated 2026-01-27.

Conditions:
Disorder of bone. Also called: Bone disease; Bone disorder; Rare bone disease related to a common gene or pathway defect. Identifiers: Orphanet 364803, MedGen C0005940, MONDO:0005381.
Osteogenesis imperfecta (OI). Identifiers: Orphanet 666, MedGen C0029434, MeSH D010013, MONDO:0019019.

Allele frequency attached by ClinVar (database versions not stated): gnomAD exomes 0.00110 and 0.00234; ExAC 0.00265; gnomAD 0.00370 and 0.00373; ESP Exome Variant Server 0.00385; TOPMed 0.00417; 1000 Genomes Project 0.00639; 1000 Genomes Project 30x 0.00656.
gnomAD v4.1: 2,290 of 1,612,046 alleles (0.14%); highest among the groups gnomAD compares: African/African-American, 0.99%; 15 homozygotes.

Submissions (10):

Labcorp Genetics (formerly Invitae), Labcorp
Classification: Benign. Last evaluated: 2026-01-27. Review status: criteria provided, single submitter. Criteria: Invitae Variant Classification Sherloc (09022015). Collection method: clinical testing. Allele origin: germline.

CeGaT Center for Human Genetics Tuebingen
Classification: Likely benign. Last evaluated: 2025-12-01. Review status: criteria provided, single submitter. Criteria: CeGaT Center For Human Genetics Tuebingen Variant Classification Criteria Version 2. Collection method: clinical testing. Allele origin: germline. Affected: yes. Observed: 3 variant alleles.
Comment: LRP5: BP4, BP7, BS2

Women's Health and Genetics/Laboratory Corporation of America, LabCorp
Classification: Benign. Last evaluated: 2024-12-06. Review status: criteria provided, single submitter. Criteria: LabCorp Variant Classification Summary - May 2015. Collection method: clinical testing. Allele origin: germline.

Genome Diagnostics Laboratory, The Hospital for Sick Children
Classification: Likely benign for Disorder of bone. Last evaluated: 2024-04-04. Review status: criteria provided, single submitter. Criteria: ACMG Guidelines, 2015. Collection method: clinical testing. Allele origin: germline. Affected: yes.
Comment: This synonymous variant is classified as Likely Benign (ACMG criteria - BS1, BS2m, BP6, BP4, BP7)

ARUP Laboratories, Molecular Genetics and Genomics, ARUP Laboratories
Classification: Benign. Last evaluated: 2021-08-17. Review status: criteria provided, single submitter. Criteria: ARUP Molecular Germline Variant Investigation Process 2021. Collection method: clinical testing. Allele origin: germline.

GeneDx
Classification: Benign. Last evaluated: 2020-02-05. Review status: criteria provided, single submitter. Criteria: GeneDx Variant Classification Process June 2021. Collection method: clinical testing. Allele origin: germline. Affected: yes.

Genome Diagnostics Laboratory, The Hospital for Sick Children
Classification: Likely benign for Osteogenesis imperfecta. Last evaluated: 2019-10-01. Review status: criteria provided, single submitter. Criteria: ACMG Guidelines, 2015. Collection method: clinical testing. Allele origin: germline.

Breakthrough Genomics
Classification: Likely benign. Review status: criteria provided, single submitter. Criteria: ACMG Guidelines, 2015. Collection method: not provided. Allele origin: germline. Inheritance: Autosomal recessive inheritance. Affected: yes.

Clinical Genetics, Academic Medical Center
Classification: Benign. Review status: no assertion criteria provided. Collection method: clinical testing. Allele origin: germline. Affected: yes. Study: VKGL Data-share Consensus. Not counted in ClinVar's aggregate classification.

Genome Diagnostics Laboratory, Amsterdam University Medical Center
Classification: Benign. Review status: no assertion criteria provided. Collection method: clinical testing. Allele origin: germline. Affected: yes. Study: VKGL Data-share Consensus. Not counted in ClinVar's aggregate classification.

NM_002335.4(LRP5):c.4635C>T (p.Thr1545=)

Gene: LRP5 (LDL receptor related protein 5; plus strand). Cytogenetic location: 11q13.2.
Variant type: single nucleotide variant.
Coding change: c.4635C>T on transcript NM_002335.4 (MANE Select); coding-DNA position 4635, C replaced by T.
Protein change: p.Thr1545=; no amino-acid change (threonine 1545 retained).
Molecular consequence: synonymous variant.
Genome position (GRCh38, 1-based): chr11:68,448,857, C>T. VCF-style: chr11-68448857-C-T. GRCh37 (hg19) VCF-style: chr11-68216325-C-T.
Other names: c.2892C>T, p.Thr964= (NM_001291902.2).
Identifiers: ClinVar variation 36482 (VCV000036482.50), dbSNP rs145406397, ClinGen allele CA214138.